The following is an entry in ClinVar:

NM_181719.7(TMCO4):c.1638A>G (p.Ala546=)

Gene: TMCO4 (transmembrane and coiled-coil domains 4; minus strand). Cytogenetic location: 1p36.13.
Variant type: single nucleotide variant.
Coding change: c.1638A>G on transcript NM_181719.7 (MANE Select); coding-DNA position 1638, A replaced by G.
Protein change: p.Ala546=; no amino-acid change (alanine 546 retained).
Molecular consequence: synonymous variant.
Genome position (GRCh38, 1-based): chr1:19,683,307, T>C on the plus strand (A>G on the coding strand, the complement: TMCO4 is on the minus strand). VCF-style: chr1-19683307-T-C. GRCh37 (hg19) VCF-style: chr1-20009800-T-C.
Other names: c.1638A>G, p.Ala546= (NM_001349114.3, NM_001349112.3, NM_001349113.3).
Identifiers: ClinVar variation 3234404 (VCV003234404.20), dbSNP rs2522527144, ClinGen allele CA416672303.

ClinVar aggregate classification (germline): Likely benign (1 of 4 stars; one submission).

Submission:

CeGaT Center for Human Genetics Tuebingen
Classification: Likely benign. Last evaluated: 2024-03-01. Review status: criteria provided, single submitter. Criteria: CeGaT Center For Human Genetics Tuebingen Variant Classification Criteria Version 2. Collection method: clinical testing. Allele origin: germline. Affected: yes. Observed: 1 variant allele.
Comment: TMCO4: PM2:Supporting, BP4, BP7